The following is an entry in ClinVar:

NM_000368.5(TSC1):c.647_648del (p.Thr215_Phe216insTer)

Gene: TSC1 (TSC complex subunit 1; minus strand). Cytogenetic location: 9q34.13.
Variant type: Deletion.
Coding change: c.647_648del on transcript NM_000368.5 (MANE Select); coding-DNA positions 647 to 648, 2 bases deleted (TT; older notation c.647_648delTT).
Protein change: p.Thr215_Phe216insTer.
Molecular consequence: nonsense.
Genome position (GRCh38, 1-based): chr9:132,921,834-132,921,835, AA deleted on the plus strand (TT on the coding strand, the reverse complement: TSC1 is on the minus strand); deleting any 2 consecutive bases within chr9:132,921,834-132,921,837 gives the same sequence; the c. name uses the placement nearest the transcript's 3' end. VCF-style (leftmost placement, unchanged base first): chr9-132921833-CAA-C. GRCh37 (hg19) VCF-style: chr9-135797220-CAA-C.
Other names: c.647_648del, p.Thr215_Phe216insTer (NM_001162426.2); c.494_495del, p.Thr164_Phe165insTer (NM_001162427.2); c.284_285del, p.Thr94_Phe95insTer (NM_001362177.2); c.647_648delTT (NM_000368.5).
Identifiers: ClinVar variation 49074 (VCV000049074.15), dbSNP rs118203417, ClinGen allele CA007920.

ClinVar aggregate classification (germline): Pathogenic. Review status: criteria provided, multiple submitters, no conflicts (2 of 4 stars). 7 submissions from 7 submitters: Pathogenic (6). 1 of the submissions does not count toward it. Last evaluated 2025-03-27.

Conditions:
Tuberous sclerosis syndrome (TSC). Also called: Tuberous Sclerosis Complex; Tuberous sclerosis. Identifiers: Orphanet 805, MedGen C0041341, MONDO:0001734.
Tuberous sclerosis 1 (TSC1). Identifiers: Orphanet 805, MedGen C1854465, MONDO:0008612, OMIM 191100.

Submissions (7):

Labcorp Genetics (formerly Invitae), Labcorp
Classification: Pathogenic for Tuberous sclerosis 1. Last evaluated: 2025-03-27. Review status: criteria provided, single submitter. Criteria: Invitae Variant Classification Sherloc (09022015). Collection method: clinical testing. Allele origin: germline.
Comment: This sequence change creates a premature translational stop signal (p.Phe216*) in the TSC1 gene. It is expected to result in an absent or disrupted protein product. Loss-of-function variants in TSC1 are known to be pathogenic (PMID: 10227394, 17304050). This variant is not present in population databases (gnomAD no frequency). This premature translational stop signal has been observed in individuals with tuberous sclerosis complex (PMID: 9242607, 10363127, 10570911). This variant is also known as 868–869delTT, 866delTT, and 865delTT. ClinVar contains an entry for this variant (Variation ID: 49074). For these reasons, this variant has been classified as Pathogenic.

Women's Health and Genetics/Laboratory Corporation of America, LabCorp
Classification: Pathogenic for Tuberous sclerosis syndrome. Last evaluated: 2024-04-26. Review status: criteria provided, single submitter. Criteria: LabCorp Variant Classification Summary - May 2015. Collection method: clinical testing. Allele origin: germline.
Comment: Variant summary: TSC1 c.647_648delTT (p.Phe216X) results in a premature termination codon, predicted to cause a truncation of the encoded protein or absence of the protein due to nonsense mediated decay, which are commonly known mechanisms for disease. The variant was absent in 251366 control chromosomes. c.647_648delTT has been reported in the literature in individuals affected with Tuberous Sclerosis Complex (e.g. Dabora_1998). The following publication has been ascertained in the context of this evaluation (PMID: 10363127). ClinVar contains an entry for this variant (Variation ID: 49074). Based on the evidence outlined above, the variant was classified as pathogenic.

Division of Genomic Medicine, Department of Advanced Medicine, Medical Research Institute, Kanazawa Medical University
Classification: Pathogenic for Tuberous sclerosis 1. Last evaluated: 2022-07-17. Review status: criteria provided, single submitter. Criteria: ACMG Guidelines, 2015. Collection method: clinical testing. Allele origin: germline. Affected: yes. Observed: 1 variant allele.

GeneDx
Classification: Pathogenic. Last evaluated: 2022-05-20. Review status: criteria provided, single submitter. Criteria: GeneDx Variant Classification Process June 2021. Collection method: clinical testing. Allele origin: germline. Affected: yes.
Comment: Nonsense variant predicted to result in protein truncation or nonsense mediated decay in a gene for which loss of function is a known mechanism of disease; Not observed at significant frequency in large population cohorts (gnomAD); This variant is associated with the following publications: (PMID: 10363127, 9242607, 10570911)

Genome-Nilou Lab
Classification: Pathogenic for Tuberous sclerosis 1. Last evaluated: 2021-11-07. Review status: criteria provided, single submitter. Criteria: ACMG Guidelines, 2015. Collection method: clinical testing. Allele origin: germline. Affected: no.

Athena Diagnostics
Classification: Pathogenic. Last evaluated: 2018-11-06. Review status: criteria provided, single submitter. Criteria: Athena Diagnostics Criteria. Collection method: clinical testing. Allele origin: germline.
Comment: The variant results in a shift of the reading frame, and is therefore predicted to result in the loss of a functional protein. Found in at least one symptomatic patient, and not found in general population data.

Tuberous sclerosis database (TSC1)
No classification provided. Condition: TSC. Review status: no classification provided. Criteria: Tuberous Sclerosis Database Assertion Criteria 2015. Collection method: curation. Allele origin: germline. Affected: yes. Not counted in ClinVar's aggregate classification.

Literature cited by the submitters: PubMed 10227394 (cited by Labcorp Genetics (formerly Invitae), Labcorp); PubMed 17304050 (cited by Labcorp Genetics (formerly Invitae), Labcorp); PubMed 9242607 (cited by Labcorp Genetics (formerly Invitae), Labcorp and Athena Diagnostics); PubMed 10363127 (cited by 3 submitters); PubMed 10570911 (cited by Labcorp Genetics (formerly Invitae), Labcorp); PubMed 9924605 (cited by Athena Diagnostics); PubMed 11112665 (cited by Athena Diagnostics).